The following is an entry in ClinVar:

NM_015175.3(NBEAL2):c.5351G>A (p.Arg1784His)

Gene: NBEAL2 (neurobeachin like 2; plus strand). Cytogenetic location: 3p21.31.
Variant type: single nucleotide variant.
Coding change: c.5351G>A on transcript NM_015175.3 (MANE Select); coding-DNA position 5351, G replaced by A.
Protein change: p.Arg1784His; replaces arginine 1784 with histidine.
Molecular consequence: missense variant.
Genome position (GRCh38, 1-based): chr3:47,002,694, G>A. VCF-style: chr3-47002694-G-A. GRCh37 (hg19) VCF-style: chr3-47044184-G-A.
Other names: p.Arg1784His; c.5249G>A, p.Arg1750His (NM_001365116.2); short protein forms R1750H, R1784H.
Identifiers: ClinVar variation 3379457 (VCV003379457.1).

ClinVar aggregate classification (germline): Uncertain significance (1 of 4 stars; one submission).

Submission:

Mayo Clinic Laboratories, Mayo Clinic
Classification: Uncertain significance. Last evaluated: 2024-04-17. Review status: criteria provided, single submitter. Criteria: ACMG Guidelines, 2015. Collection method: clinical testing. Allele origin: germline. Observed: 1 variant allele.
Comment: PM2_moderate